The following is an entry in ClinVar:

ClinVar aggregate classification (germline): Likely pathogenic (1 of 4 stars; one submission).

gnomAD v4.1: 2 of 1,612,828 alleles (0.00012%); highest among the groups gnomAD compares: Non-Finnish European, 0.00017%; no homozygotes.

Submission:

GeneDx
Classification: Likely pathogenic. Last evaluated: 2026-04-03. Review status: criteria provided, single submitter. Criteria: GeneDx Variant Classification Process June 2021. Collection method: clinical testing. Allele origin: germline.
Comment: Nonsense variant predicted to result in protein truncation or nonsense mediated decay in a gene for which loss of function is a known mechanism of disease; Not observed at significant frequency in large population cohorts (gnomAD); Has not been previously published as pathogenic or benign to our knowledge

NM_007055.4(POLR3A):c.3592A>T (p.Lys1198Ter)

Gene: POLR3A (RNA polymerase III subunit A; minus strand). Cytogenetic location: 10q22.3.
Variant type: single nucleotide variant.
Coding change: c.3592A>T on transcript NM_007055.4 (MANE Select); coding-DNA position 3592, A replaced by T.
Protein change: p.Lys1198Ter; replaces lysine 1198 with a stop codon.
Molecular consequence: nonsense.
Genome position (GRCh38, 1-based): chr10:77,982,655, T>A on the plus strand (A>T on the coding strand, the complement: POLR3A is on the minus strand). VCF-style: chr10-77982655-T-A. GRCh37 (hg19) VCF-style: chr10-79742413-T-A.
Other names: short protein forms K1198*.
Identifiers: ClinVar variation 5016796 (VCV005016796.1).